The following is an entry in ClinVar:

NM_002633.3(PGM1):c.696_699del (p.Pro231_Tyr232insTer)

Gene: PGM1 (phosphoglucomutase 1; plus strand). Cytogenetic location: 1p31.3.
Variant type: Deletion.
Coding change: c.696_699del on transcript NM_002633.3 (MANE Select); coding-DNA positions 696 to 699, 4 bases deleted (TGTA; older notation c.696_699delTGTA).
Protein change: p.Pro231_Tyr232insTer.
Molecular consequence: nonsense.
Genome position (GRCh38, 1-based): chr1:63,634,842-63,634,845, TGTA deleted; deleting any 4 consecutive bases within chr1:63,634,839-63,634,845 gives the same sequence; the c. name uses the placement nearest the transcript's 3' end. VCF-style (leftmost placement, unchanged base first): chr1-63634838-CGTAT-C. GRCh37 (hg19) VCF-style: chr1-64100509-CGTAT-C.
Other names: c.750_753del, p.Pro249_Tyr250insTer (NM_001172818.1); c.105_108del, p.Pro34_Tyr35insTer (NM_001172819.2).
Identifiers: ClinVar variation 1803010 (VCV001803010.3), dbSNP rs2523892321, ClinGen allele CA2580063151.

ClinVar aggregate classification (germline): Pathogenic (1 of 4 stars; one submission).

Conditions:
PGM1-congenital disorder of glycosylation. Also called: CDG It; PHOSPHOGLUCOMUTASE 1 DEFICIENCY; PGM1 DEFICIENCY; GLYCOGEN STORAGE DISEASE XIV; Congenital disorder of glycosylation type 1t; GSD XIV. Identifiers: Orphanet 319646, MedGen C2752015, MONDO:0013968, OMIM 614921.

Submission:

Morava/Kozicz Lab, Department of Clinical Genomics, Mayo Clinic
Classification: Pathogenic for PGM1-congenital disorder of glycosylation. Last evaluated: 2022-11-23. Review status: criteria provided, single submitter. Criteria: ACMG Guidelines, 2015. Collection method: clinical testing. Allele origin: inherited. Inheritance: Autosomal recessive inheritance. Affected: yes.
Comment: Variant is predicted to result in a stop (gain) nonsense) in exon 5 in the PGM1 gene. This variant has not been previously reported This variant is absent from the general population (gnomAD). Variant is consistent with the patient's phenotype